The following is an entry in ClinVar:

ClinVar aggregate classification (germline): Uncertain significance (1 of 4 stars; one submission).

Conditions:
Immunodeficiency 35 (IMD35). Also called: TYK2 DEFICIENCY; HIES WITH ATYPICAL MYCOBACTERIOSIS, AUTOSOMAL RECESSIVE; HYPER-IgE SYNDROME WITH ATYPICAL MYCOBACTERIOSIS, AUTOSOMAL RECESSIVE; Susceptibility to infection due to TYK2 deficiency. Identifiers: Orphanet 331226, MedGen C1969086, MONDO:0012682, OMIM 611521.

Allele frequency attached by ClinVar (database versions not stated): gnomAD 0.00001; gnomAD exomes 0.00001 and 0.00002; TOPMed 0.00002.
gnomAD v4.1: 28 of 1,613,962 alleles (0.0017%); highest among the groups gnomAD compares: Admixed American, 0.0067%; no homozygotes.

Submission:

Labcorp Genetics (formerly Invitae), Labcorp
Classification: Uncertain significance for Immunodeficiency 35. Last evaluated: 2024-01-09. Review status: criteria provided, single submitter. Criteria: Invitae Variant Classification Sherloc (09022015). Collection method: clinical testing. Allele origin: germline.
Comment: This sequence change replaces arginine, which is basic and polar, with glutamine, which is neutral and polar, at codon 609 of the TYK2 protein (p.Arg609Gln). This variant is present in population databases (rs748626480, gnomAD 0.003%). This variant has not been reported in the literature in individuals affected with TYK2-related conditions. ClinVar contains an entry for this variant (Variation ID: 1407393). Advanced modeling of protein sequence and biophysical properties (such as structural, functional, and spatial information, amino acid conservation, physicochemical variation, residue mobility, and thermodynamic stability) performed at Invitae indicates that this missense variant is not expected to disrupt TYK2 protein function with a negative predictive value of 80%. In summary, the available evidence is currently insufficient to determine the role of this variant in disease. Therefore, it has been classified as a Variant of Uncertain Significance.

NM_003331.5(TYK2):c.1826G>A (p.Arg609Gln)

Gene: TYK2 (tyrosine kinase 2; minus strand). Cytogenetic location: 19p13.2.
Variant type: single nucleotide variant.
Coding change: c.1826G>A on transcript NM_003331.5 (MANE Select); coding-DNA position 1826, G replaced by A.
Protein change: p.Arg609Gln; replaces arginine 609 with glutamine.
Molecular consequence: missense variant. On other transcripts: intron variant (2).
Genome position (GRCh38, 1-based): chr19:10,361,903, C>T on the plus strand (G>A on the coding strand, the complement: TYK2 is on the minus strand). VCF-style: chr19-10361903-C-T. GRCh37 (hg19) VCF-style: chr19-10472579-C-T.
Other names: c.1826G>A, p.Arg609Gln (NM_001385197.1, NM_001385198.1, NM_001385200.1 and 2 more transcripts); c.1628G>A, p.Arg543Gln (NM_001385201.1); c.1736G>A, p.Arg579Gln (NM_001385205.1); c.1700G>A, p.Arg567Gln (NM_001385206.1); c.1808G>A, p.Arg603Gln (NM_001385207.1); c.1773+175G>A (NM_001385199.1); c.1808+18G>A (NM_001385202.1); short protein forms R579Q, R609Q, R567Q, R543Q, R603Q.
Identifiers: ClinVar variation 1407393 (VCV001407393.6), dbSNP rs748626480, ClinGen allele CA305204219.
Genomic context (GRCh38, chr19:10,361,903, plus strand): 5'-GGCACGAGGGGGTCCTCGTCATCCATCTTGCCCTCCTCAGGGTCCCCGCTGCCCTCCACT[C>T]GCAGGCGGCCCTCATACACGTTGGTCCTTGTGCCCTGGCCCAAGTGGGACAGCTGCGGGA-3'
Protein context (NP_003322.3, residues 599-619): TRTNVYEGRL[Arg609Gln]VEGSGDPEEG